The following is an entry in ClinVar:

ClinVar aggregate classification (germline): Uncertain significance (1 of 4 stars; one submission).

Conditions:
Developmental delay, hypotonia, and impaired language (DEDHIL). Identifiers: MedGen C5774202, MONDO:0859280, OMIM 620012.

Submission:

Neuberg Centre For Genomic Medicine, NCGM
Classification: Uncertain significance for Developmental delay, hypotonia, and impaired language. Review status: criteria provided, single submitter. Criteria: ACMG Guidelines, 2015. Collection method: clinical testing. Allele origin: germline. Inheritance: Autosomal dominant inheritance. Affected: yes.
Comment: The observed variant c.365G>A(p.Ser122Asn) in FBXW7 gene has not been reported previously as a pathogenic variant nor as a benign variant, to our knowledge. The (p.Ser122Asn) variant is absent in gnomAD Exomes. The amino acid Ser at position 122 is changed to a Asn changing protein sequence and it might alter its composition and physico-chemical properties. Computational evidence (Polyphen-probably damaging, SIFT-Tolerated and Mutation Taster-disease causing) predicts conflicting evidence on protein structure and function for this variant. The reference amino acid p.Ser122Asn in FBXW7 is predicted as conserved by GERP++ and PhyloP across 100 vertebrates. For these reasons, this variant has been classified as Uncertain Significance.

NM_001349798.2(FBXW7):c.365G>A (p.Ser122Asn)

Gene: FBXW7 (F-box and WD repeat domain containing 7; minus strand). Cytogenetic location: 4q31.3.
Variant type: single nucleotide variant.
Coding change: c.365G>A on transcript NM_001349798.2 (MANE Select); coding-DNA position 365, G replaced by A.
Protein change: p.Ser122Asn; replaces serine 122 with asparagine.
Molecular consequence: missense variant.
Genome position (GRCh38, 1-based): chr4:152,411,439, C>T on the plus strand (G>A on the coding strand, the complement: FBXW7 is on the minus strand). VCF-style: chr4-152411439-C-T. GRCh37 (hg19) VCF-style: chr4-153332591-C-T.
Other names: c.365G>A, p.Ser122Asn (NM_001257069.1, NM_033632.3); short protein forms S122N.
Identifiers: ClinVar variation 3377555 (VCV003377555.1).